The following is an entry in ClinVar:

NM_000069.3(CACNA1S):c.5337C>A (p.Cys1779Ter)

Gene: CACNA1S (calcium voltage-gated channel subunit alpha1 S; minus strand). Cytogenetic location: 1q32.1.
Variant type: single nucleotide variant.
Coding change: c.5337C>A on transcript NM_000069.3 (MANE Select); coding-DNA position 5337, C replaced by A.
Protein change: p.Cys1779Ter; replaces cysteine 1779 with a stop codon.
Molecular consequence: nonsense.
Genome position (GRCh38, 1-based): chr1:201,040,264, G>T on the plus strand (C>A on the coding strand, the complement: CACNA1S is on the minus strand). VCF-style: chr1-201040264-G-T. GRCh37 (hg19) VCF-style: chr1-201009392-G-T.
Other names: short protein forms C1779*.
Identifiers: ClinVar variation 3763503 (VCV003763503.2).
Genomic context (GRCh38, chr1:201,040,264, plus strand): 5'-ACTGCTGTGACCCAGCCCCTGGCTCACCTTTTGGATCAGCAGGGCTGTAGCTGGTGCTGA[G>T]CACCTGGAAGTATTCTCCCTGGTGCTCCTGCTGTGGGGTGTCTCCTCATGAAGAGACCCT-3'

ClinVar aggregate classification (germline): Uncertain significance (1 of 4 stars; one submission).

Conditions:
Hypokalemic periodic paralysis, type 1. Also called: Hypokalemic Periodic Paralysis Type 1 (AD); HypoPP. Identifiers: Orphanet 681, MedGen C3714580, MONDO:0042979, OMIM 170400.
Malignant hyperthermia, susceptibility to, 5 (MHS5). Also called: CACNA1S-Related Malignant Hyperthermia Susceptibility. Identifiers: Orphanet 423, MedGen C1866077, MONDO:0011163, OMIM 601887.

Submission:

Labcorp Genetics (formerly Invitae), Labcorp
Classification: Uncertain significance for Hypokalemic periodic paralysis, type 1; Malignant hyperthermia, susceptibility to, 5. Last evaluated: 2024-07-16. Review status: criteria provided, single submitter. Criteria: Invitae Variant Classification Sherloc (09022015). Collection method: clinical testing. Allele origin: germline.
Comment: This sequence change creates a premature translational stop signal (p.Cys1779*) in the CACNA1S gene. While this is not anticipated to result in nonsense mediated decay, it is expected to disrupt the last 95 amino acid(s) of the CACNA1S protein. This variant is not present in population databases (gnomAD no frequency). This variant has not been reported in the literature in individuals affected with CACNA1S-related conditions. Experimental studies and prediction algorithms are not available or were not evaluated, and the functional significance of this variant is currently unknown. In summary, the available evidence is currently insufficient to determine the role of this variant in disease. Therefore, it has been classified as a Variant of Uncertain Significance.